The following is an entry in ClinVar:

NM_201384.3(PLEC):c.5238C>T (p.Ala1746=)

Gene: PLEC (plectin; minus strand). Cytogenetic location: 8q24.3.
Variant type: single nucleotide variant.
Coding change: c.5238C>T on transcript NM_201384.3 (MANE Select); coding-DNA position 5238, C replaced by T.
Protein change: p.Ala1746=; no amino-acid change (alanine 1746 retained).
Molecular consequence: synonymous variant. On other transcripts: intron variant (1).
Genome position (GRCh38, 1-based): chr8:143,924,691, G>A on the plus strand (C>T on the coding strand, the complement: PLEC is on the minus strand). VCF-style: chr8-143924691-G-A. GRCh37 (hg19) VCF-style: chr8-144998859-G-A.
Other names: c.5319C>T, p.Ala1773= (NM_000445.5); c.5196C>T, p.Ala1732= (NM_201378.4); c.5172C>T, p.Ala1724= (NM_201379.3); c.5649C>T, p.Ala1883= (NM_201380.4); c.5142C>T, p.Ala1714= (NM_201381.3); c.5238C>T, p.Ala1746= (NM_201382.4); c.5250C>T, p.Ala1750= (NM_201383.3); c.4125+2093C>T (NM_001410941.1).
Identifiers: ClinVar variation 3050580 (VCV003050580.3), dbSNP rs1564046567, ClinGen allele CA463534548.

ClinVar aggregate classification (germline): Likely benign. Review status: criteria provided, single submitter (1 of 4 stars). 2 submissions from 2 submitters: Likely benign (1). 1 of the submissions does not count toward it. Last evaluated 2025-05-02.

Conditions:
PLEC-related disorder. Also called: PLEC-related disorders; PLEC-related condition.
Epidermolysis bullosa simplex 5C, with pyloric atresia (EBS5C). Also called: PLEC-Related Epidermolysis Bullosa with Pyloric Atresia; Epidermolysis bullosa simplex with pyloric atresia; PLEC1-Related Epidermolysis Bullosa with Pyloric Atresia. Identifiers: Orphanet 158684, MedGen C2677349, MONDO:0012807, OMIM 612138.
Autosomal recessive limb-girdle muscular dystrophy type 2Q (LGMDR17). Also called: MUSCULAR DYSTROPHY, LIMB-GIRDLE, AUTOSOMAL RECESSIVE 17. Identifiers: Orphanet 254361, MedGen C3150989, MONDO:0013390, OMIM 613723.
Epidermolysis bullosa simplex 5B, with muscular dystrophy (EBS5B). Also called: EPIDERMOLYSIS BULLOSA SIMPLEX AND LIMB-GIRDLE MUSCULAR DYSTROPHY; Epidermolysis bullosa simplex with muscular dystrophy. Identifiers: Orphanet 257, MedGen C2931072, MONDO:0009181, OMIM 226670.
Epidermolysis bullosa simplex, Ogna type (EBS5A). Also called: Pidermolysis bullosa simplex 5A, Ogna type; EPIDERMOLYSIS BULLOSA SIMPLEX 5A, OGNA TYPE. Identifiers: Orphanet 79401, MedGen C0432317, MONDO:0007555, OMIM 131950.
Epidermolysis bullosa simplex with nail dystrophy (EBS5D). Identifiers: MedGen C4225309, MONDO:0014661, OMIM 616487.

Allele frequency attached by ClinVar (database versions not stated): gnomAD exomes below 0.00001; TOPMed below 0.00001; gnomAD 0.00001.
gnomAD v4.1: 3 of 1,534,306 alleles (0.0002%); highest among the groups gnomAD compares: East Asian, 0.0074%; no homozygotes.

Submissions (2):

Labcorp Genetics (formerly Invitae), Labcorp
Classification: Likely benign for Autosomal recessive limb-girdle muscular dystrophy type 2Q; Epidermolysis bullosa simplex, Ogna type; Epidermolysis bullosa simplex with nail dystrophy; Epidermolysis bullosa simplex 5C, with pyloric atresia; Epidermolysis bullosa simplex 5B, with muscular dystrophy. Last evaluated: 2025-05-02. Review status: criteria provided, single submitter. Criteria: Invitae Variant Classification Sherloc (09022015). Collection method: clinical testing. Allele origin: germline.

PreventionGenetics, part of Exact Sciences
Classification: Likely benign for PLEC-related condition. Last evaluated: 2019-07-15. Review status: no assertion criteria provided. Collection method: clinical testing. Allele origin: germline. Not counted in ClinVar's aggregate classification.
Comment: This variant is classified as likely benign based on ACMG/AMP sequence variant interpretation guidelines (Richards et al. 2015 PMID: 25741868, with internal and published modifications).